The following is an entry in ClinVar:

NM_007294.4(BRCA1):c.80+4A>G

Gene: BRCA1 (BRCA1 DNA repair associated; minus strand). Cytogenetic location: 17q21.31.
Variant type: single nucleotide variant.
Coding change: c.80+4A>G on transcript NM_007294.4 (MANE Select); 4 bases into the intron after coding-DNA position 80, A replaced by G.
Molecular consequence: intron variant.
Genome position (GRCh38, 1-based): chr17:43,124,013, T>C on the plus strand (A>G on the coding strand, the complement: BRCA1 is on the minus strand). VCF-style: chr17-43124013-T-C. GRCh37 (hg19) VCF-style: chr17-41276030-T-C.
Other names: c.-61-8234A>G (NM_001408458.1); c.-219+1264A>G (NM_001407967.1); c.-170+1264A>G (NM_001407959.1); c.-8+1264A>G (NM_001407931.1, NM_001407747.1); c.-224+1264A>G (NM_001407962.1, NM_001408512.1, NM_001408510.1); c.-109+1264A>G (NM_001407885.1); c.-62+1264A>G (NM_001408470.1, NM_001407848.1, NM_001407839.1 and 6 more transcripts); c.-178+1264A>G (NM_001407746.1); and 23 more.
Identifiers: ClinVar variation 865073 (VCV000865073.11), dbSNP rs80358003, ClinGen allele CA916081111.

ClinVar aggregate classification (germline): Uncertain significance (1 of 4 stars; one submission).

Conditions:
Hereditary breast ovarian cancer syndrome. Also called: Hereditary breast and/or ovarian cancer syndrome; BRCA1- and BRCA2-Associated Hereditary Breast and Ovarian Cancer; Hereditary breast and ovarian cancer syndrome; Hereditary breast and ovarian cancer; Hereditary breast and ovarian cancer syndrome (HBOC); Breast and ovarian cancer. Identifiers: Orphanet 145, MedGen C0677776, MeSH D061325, MONDO:0003582. Disease mechanism: loss of function.

Submissions (2):

Labcorp Genetics (formerly Invitae), Labcorp
Classification: Uncertain significance for Hereditary breast ovarian cancer syndrome. Last evaluated: 2022-06-04. Review status: criteria provided, single submitter. Criteria: Invitae Variant Classification Sherloc (09022015). Collection method: clinical testing. Allele origin: germline.
Comment: This variant is not present in population databases (gnomAD no frequency). This sequence change falls in intron 2 of the BRCA1 gene. It does not directly change the encoded amino acid sequence of the BRCA1 protein. It affects a nucleotide within the consensus splice site. This variant has not been reported in the literature in individuals affected with BRCA1-related conditions. In summary, the available evidence is currently insufficient to determine the role of this variant in disease. Therefore, it has been classified as a Variant of Uncertain Significance. Variants that disrupt the consensus splice site are a relatively common cause of aberrant splicing (PMID: 17576681, 9536098). Algorithms developed to predict the effect of sequence changes on RNA splicing suggest that this variant may disrupt the consensus splice site. Experimental studies have shown that this variant affects BRCA1 function (PMID: 30209399). Algorithms developed to predict the effect of variants on protein structure and function are not available or were not evaluated for this variant. ClinVar contains an entry for this variant (Variation ID: 865073).

Brotman Baty Institute, University of Washington
No classification provided (evidence only). Condition: Breast-ovarian cancer, familial 1. Review status: no classification provided. Collection method: in vitro. Allele origin: not applicable. Functional consequence: functionally_abnormal. Not counted in ClinVar's aggregate classification.
ClinVar note: "not provided" was previously submitted as the classification for the variant. However, the classification appeared to be based only on an observation of functional data so it was converted to no classification on 2025-07-30.

Literature cited by the submitters: PubMed 17576681 (cited by Labcorp Genetics (formerly Invitae), Labcorp); PubMed 9536098 (cited by Labcorp Genetics (formerly Invitae), Labcorp); PubMed 30209399 (cited by Labcorp Genetics (formerly Invitae), Labcorp).